The following is an entry in ClinVar:

NM_203446.3(SYNJ1):c.2217C>T (p.Asn739=)

Gene: SYNJ1 (synaptojanin 1; minus strand). Cytogenetic location: 21q22.11.
Variant type: single nucleotide variant.
Coding change: c.2217C>T on transcript NM_203446.3 (MANE Select); coding-DNA position 2217, C replaced by T.
Protein change: p.Asn739=; no amino-acid change (asparagine 739 retained).
Molecular consequence: synonymous variant.
Genome position (GRCh38, 1-based): chr21:32,665,000, G>A on the plus strand (C>T on the coding strand, the complement: SYNJ1 is on the minus strand). VCF-style: chr21-32665000-G-A. GRCh37 (hg19) VCF-style: chr21-34037310-G-A.
Other names: c.2217C>T, p.Asn739= (NM_001160302.2); c.2202C>T, p.Asn734= (NM_001160306.2); c.2334C>T, p.Asn778= (NM_003895.4); c.2334C>T (NM_003895.3).
Identifiers: ClinVar variation 1158092 (VCV001158092.12), dbSNP rs753774552, ClinGen allele CA10003709.

ClinVar aggregate classification (germline): Likely benign. Review status: criteria provided, multiple submitters, no conflicts (2 of 4 stars). 3 submissions from 3 submitters: Likely benign (2). 1 of the submissions does not count toward it. Last evaluated 2025-07-02.

Conditions:
SYNJ1-related disorder. Also called: SYNJ1-related condition.
Developmental and epileptic encephalopathy, 53. Also called: Epileptic encephalopathy, early infantile, 53. Identifiers: MedGen C4479313, MONDO:0033362, OMIM 617389.
Early-onset Parkinson disease 20. Also called: PARKINSON DISEASE 20, AUTOSOMAL RECESSIVE EARLY-ONSET. Identifiers: Orphanet 391411, MedGen C3809824, MONDO:0014233, OMIM 615530.

Allele frequency attached by ClinVar (database versions not stated): TOPMed 0.00001; gnomAD 0.00003; gnomAD exomes 0.00003 and 0.00004; ExAC 0.00004.

Submissions (3):

Athena Diagnostics
Classification: Likely benign. Last evaluated: 2025-07-02. Review status: criteria provided, single submitter. Criteria: Athena Diagnostics Criteria. Collection method: clinical testing. Allele origin: unknown.
Comment: Computational tools yielded predictions that this variant is unlikely to have an effect on normal RNA splicing. This nucleotide position exhibits low evolutionary conservation.

Labcorp Genetics (formerly Invitae), Labcorp
Classification: Likely benign for Developmental and epileptic encephalopathy, 53; Early-onset Parkinson disease 20. Last evaluated: 2024-06-17. Review status: criteria provided, single submitter. Criteria: Invitae Variant Classification Sherloc (09022015). Collection method: clinical testing. Allele origin: germline.

PreventionGenetics, part of Exact Sciences
Classification: Likely benign for SYNJ1-related condition. Last evaluated: 2019-09-09. Review status: no assertion criteria provided. Collection method: clinical testing. Allele origin: germline. Not counted in ClinVar's aggregate classification.
Comment: This variant is classified as likely benign based on ACMG/AMP sequence variant interpretation guidelines (Richards et al. 2015 PMID: 25741868, with internal and published modifications).

Literature cited by the submitters: PubMed 39455605 (cited by Athena Diagnostics).